The following is an entry in ClinVar:

ClinVar aggregate classification (germline): Pathogenic (1 of 4 stars; one submission).

Submission:

Labcorp Genetics (formerly Invitae), Labcorp
Classification: Pathogenic. Last evaluated: 2024-11-04. Review status: criteria provided, single submitter. Criteria: Invitae Variant Classification Sherloc (09022015). Collection method: clinical testing. Allele origin: germline.
Comment: This sequence change creates a premature translational stop signal (p.Tyr268*) in the CACNA1F gene. It is expected to result in an absent or disrupted protein product. Loss-of-function variants in CACNA1F are known to be pathogenic (PMID: 9662399, 11281458, 17525176, 22194652, 24124559, 26992781). This variant is not present in population databases (gnomAD no frequency). This premature translational stop signal has been observed in individual(s) with incomplete congenital stationary night blindness (PMID: 30825406). For these reasons, this variant has been classified as Pathogenic.

Literature cited by the submitters: PubMed 9662399; PubMed 11281458; PubMed 17525176; PubMed 22194652; PubMed 24124559; PubMed 26992781; PubMed 30825406.

NM_001256789.3(CACNA1F):c.804C>A (p.Tyr268Ter)

Gene: CACNA1F (calcium voltage-gated channel subunit alpha1 F; minus strand). Cytogenetic location: Xp11.23.
Variant type: single nucleotide variant.
Coding change: c.804C>A on transcript NM_001256789.3 (MANE Select); coding-DNA position 804, C replaced by A.
Protein change: p.Tyr268Ter; replaces tyrosine 268 with a stop codon.
Molecular consequence: nonsense.
Genome position (GRCh38, 1-based): chrX:49,230,233, G>T on the plus strand (C>A on the coding strand, the complement: CACNA1F is on the minus strand). VCF-style: chrX-49230233-G-T. GRCh37 (hg19) VCF-style: chrX-49086695-G-T.
Other names: c.609C>A, p.Tyr203Ter (NM_001256790.3); c.804C>A, p.Tyr268Ter (NM_005183.4); short protein forms Y203*, Y268*.
Identifiers: ClinVar variation 3718691 (VCV003718691.2).